The following is an entry in ClinVar:

ClinVar aggregate classification (germline): Conflicting classifications of pathogenicity. Review status: criteria provided, conflicting classifications (1 of 4 stars). 2 submissions from 2 submitters: Likely pathogenic (1); Uncertain significance (1). Last evaluated 2026-04-16.

Conditions:
Pheochromocytoma/paraganglioma syndrome 2. Also called: GLOMUS TUMORS, FAMILIAL, 2; Paragangliomas 2; SDHAF2-Related Hereditary Paraganglioma-Pheochromocytoma Syndrome (Paragangliomas 2); SDHAF2-Related Hereditary Paraganglioma-Pheochromocytoma Syndrome. Identifiers: Orphanet 29072, MedGen C1866552, MONDO:0011121, OMIM 601650.
Hereditary pheochromocytoma and paraganglioma. Also called: Hereditary Paraganglioma-Pheochromocytoma Syndromes; Hereditary paragangliomas and pheochromocytomas; Hereditary pheochromocytoma-paraganglioma. Identifiers: Orphanet 29072, MedGen C4274332, MONDO:0017366.

Submissions (2):

Dasa
Classification: Likely pathogenic for Pheochromocytoma/paraganglioma syndrome 2. Last evaluated: 2026-04-16. Review status: criteria provided, single submitter. Criteria: DASA Assertion Criteria. Collection method: clinical testing. Allele origin: germline.
Comment: NM_017841.4(SDHAF2):c.396del (p.Phe132Leufs*9) is a frameshift variant in SDHAF2 predicted to alter the reading frame and introduce a premature termination codon and is predicted to result in an absent or altered protein product. Loss of function is an established disease mechanism for SDHAF2 (PMID: 22241717; PMID: 26096992; PMID: 31687641). Also, this variant is rare in population databases. Based on the currently available evidence, this variant is classified as likely pathogenic.

Labcorp Genetics (formerly Invitae), Labcorp
Classification: Uncertain significance for Hereditary pheochromocytoma and paraganglioma. Last evaluated: 2023-02-04. Review status: criteria provided, single submitter. Criteria: Invitae Variant Classification Sherloc (09022015). Collection method: clinical testing. Allele origin: germline.
Comment: In summary, the available evidence is currently insufficient to determine the role of this variant in disease. Therefore, it has been classified as a Variant of Uncertain Significance. Experimental studies and prediction algorithms are not available or were not evaluated, and the functional significance of this variant is currently unknown. This variant has not been reported in the literature in individuals affected with SDHAF2-related conditions. This variant is not present in population databases (gnomAD no frequency). This sequence change creates a premature translational stop signal (p.Phe132Leufs*9) in the SDHAF2 gene. While this is not anticipated to result in nonsense mediated decay, it is expected to disrupt the last 35 amino acid(s) of the SDHAF2 protein.

Literature cited by the submitters: PubMed 22241717 (cited by Dasa); PubMed 26096992 (cited by Dasa); PubMed 31687641 (cited by Dasa).

NM_017841.4(SDHAF2):c.396del (p.Phe132fs)

Gene: SDHAF2 (succinate dehydrogenase complex assembly factor 2; plus strand). Cytogenetic location: 11q12.2.
Variant type: Deletion.
Coding change: c.396del on transcript NM_017841.4 (MANE Select); coding-DNA position 396, one base deleted (T; older notation c.396delT).
Protein change: p.Phe132fs; shifts the reading frame from phenylalanine 132.
Molecular consequence: frameshift variant.
Genome position (GRCh38, 1-based): chr11:61,445,966, T deleted; the last of 3 consecutive T bases (chr11:61,445,964-61,445,966); deleting any one gives the same sequence. VCF-style (leftmost placement, unchanged base first): chr11-61445963-AT-A. GRCh37 (hg19) VCF-style: chr11-61213435-AT-A.
Other names: short protein forms F132fs.
Identifiers: ClinVar variation 2834418 (VCV002834418.5), dbSNP rs2540133011, ClinGen allele CA2739270470.
Genomic context (GRCh38, chr11:61,445,963, plus strand): 5'-CTATGGCATAATTTTTTCTGCCCACTCTTCTCTTGCAGAAGCTAAACCAGCCCCAGAAAT[AT>A]TTGAAAATGAAGTCATGGCCCTGCTGAGAGACTTTGCTAAAAACAAAAACAAAGAGCAGA-3'